The following is an entry in ClinVar:

ClinVar aggregate classification (germline): Likely benign (1 of 4 stars; one submission).

Allele frequency attached by ClinVar (database versions not stated): ExAC 0.00001; ESP Exome Variant Server 0.00008.
gnomAD v4.1: 12 of 1,613,910 alleles (0.00074%); highest among the groups gnomAD compares: Admixed American, 0.005%; no homozygotes.

Submission:

CeGaT Center for Human Genetics Tuebingen
Classification: Likely benign. Last evaluated: 2023-05-01. Review status: criteria provided, single submitter. Criteria: CeGaT Center For Human Genetics Tuebingen Variant Classification Criteria Version 2. Collection method: clinical testing. Allele origin: germline. Affected: yes. Observed: 1 variant allele.
Comment: KARS1: BP4, BP7

NM_005548.3(KARS1):c.1629C>A (p.Pro543=)

Gene: KARS1 (lysyl-tRNA synthetase 1; minus strand). Cytogenetic location: 16q23.1.
Variant type: single nucleotide variant.
Coding change: c.1629C>A on transcript NM_005548.3 (MANE Select); coding-DNA position 1629, C replaced by A.
Protein change: p.Pro543=; no amino-acid change (proline 543 retained).
Molecular consequence: synonymous variant.
Genome position (GRCh38, 1-based): chr16:75,628,635, G>T on the plus strand (C>A on the coding strand, the complement: KARS1 is on the minus strand). VCF-style: chr16-75628635-G-T. GRCh37 (hg19) VCF-style: chr16-75662533-G-T.
Other names: c.1713C>A, p.Pro571= (NM_001130089.2); c.1161C>A, p.Pro387= (NM_001378148.1).
Identifiers: ClinVar variation 2570949 (VCV002570949.27), dbSNP rs139719193, ClinGen allele CA8177181.